The following is an entry in ClinVar:

NM_014362.4(HIBCH):c.129del (p.Gly44fs)

Gene: HIBCH (3-hydroxyisobutyryl-CoA hydrolase; minus strand). Cytogenetic location: 2q32.2.
Variant type: Deletion.
Coding change: c.129del on transcript NM_014362.4 (MANE Select); coding-DNA position 129, one base deleted (A; older notation c.129delA).
Protein change: p.Gly44fs; shifts the reading frame from glycine 44.
Molecular consequence: frameshift variant.
Genome position (GRCh38, 1-based): chr2:190,296,903, T deleted on the plus strand (A on the coding strand, the reverse complement: HIBCH is on the minus strand); the first of 8 consecutive T bases (chr2:190,296,903-190,296,910); deleting any one gives the same sequence. VCF-style (leftmost placement, unchanged base first): chr2-190296902-CT-C. GRCh37 (hg19) VCF-style: chr2-191161628-CT-C.
Other names: c.129del, p.Gly44fs (NM_198047.3); short protein forms G44fs.
Identifiers: ClinVar variation 4294052 (VCV004294052.1).
Genomic context (GRCh38, chr2:190,296,902, plus strand): 5'-TATTAAGAGTCAGTGCATTGAGGAACTTTGGTCTGTTTAGTGTTATGACTCCCGTGCAAC[CT>C]TTTTTTTCCAATAGCACCTCTTCTGCTGCATCTGTGTGCTTGGACATTCTCTGTATAAAC-3'

ClinVar aggregate classification (germline): Likely pathogenic (1 of 4 stars; one submission).

Conditions:
3-hydroxyisobutyryl-CoA hydrolase deficiency. Also called: HIBCH DEFICIENCY; METHACRYLIC ACID TOXICITY; METHACRYLIC ACIDURIA; VALINE METABOLIC DEFECT; Reduced circulating 3-hydroxyisobutyryl-CoA hydrolase activity; Deficiency of 3-hydroxyisobutyryl CoA hydrolase. Identifiers: Orphanet 88639, MedGen C0342738, MONDO:0009603, OMIM 250620, HP:6000215.

Submission:

3billion
Classification: Likely pathogenic for 3-hydroxyisobutyryl-CoA hydrolase deficiency. Last evaluated: 2024-07-02. Review status: criteria provided, single submitter. Criteria: ACMG Guidelines, 2015. Collection method: clinical testing. Allele origin: germline. Affected: yes.
Comment: The variant is observed at an extremely low frequency in the gnomAD v4.0.0 dataset (total allele frequency: <0.001%). Predicted Consequence/Location: Frameshift: predicted to result in a loss or disruption of normal protein function through nonsense-mediated decay (NMD) or protein truncation. Multiple pathogenic variants are reported downstream of the variant. Therefore, this variant is classified as Likely pathogenic according to the recommendation of ACMG/AMP guideline.